The following is an entry in ClinVar:

NM_001256071.3(RNF213):c.9716C>T (p.Pro3239Leu)

Gene: RNF213 (ring finger protein 213; plus strand). Cytogenetic location: 17q25.3.
Variant type: single nucleotide variant.
Coding change: c.9716C>T on transcript NM_001256071.3 (MANE Select); coding-DNA position 9716, C replaced by T.
Protein change: p.Pro3239Leu; replaces proline 3239 with leucine.
Molecular consequence: missense variant.
Genome position (GRCh38, 1-based): chr17:80,348,051, C>T. VCF-style: chr17-80348051-C-T. GRCh37 (hg19) VCF-style: chr17-78321851-C-T.
Other names: c.9863C>T, p.Pro3288Leu (NM_020914.5, NM_001410195.1); short protein forms P3239L, P3288L.
Identifiers: ClinVar variation 3024679 (VCV003024679.22), dbSNP rs201815403, ClinGen allele CA8821182.

ClinVar aggregate classification (germline): Likely benign (1 of 4 stars; one submission).

Allele frequency attached by ClinVar (database versions not stated): TOPMed 0.00002; ExAC 0.00003; gnomAD 0.00003; gnomAD exomes 0.00007; ESP Exome Variant Server 0.00008.
gnomAD v4.1: 115 of 1,614,070 alleles (0.0071%); highest among the groups gnomAD compares: Non-Finnish European, 0.009%; no homozygotes.

Submission:

CeGaT Center for Human Genetics Tuebingen
Classification: Likely benign. Last evaluated: 2024-01-01. Review status: criteria provided, single submitter. Criteria: CeGaT Center For Human Genetics Tuebingen Variant Classification Criteria Version 2. Collection method: clinical testing. Allele origin: germline. Affected: yes. Observed: 1 variant allele.
Comment: RNF213: BP4